The following is an entry in ClinVar:

NM_001110556.2(FLNA):c.4525G>A (p.Val1509Ile)

Gene: FLNA (filamin A; minus strand). Cytogenetic location: Xq28.
Variant type: single nucleotide variant.
Coding change: c.4525G>A on transcript NM_001110556.2 (MANE Select); coding-DNA position 4525, G replaced by A.
Protein change: p.Val1509Ile; replaces valine 1509 with isoleucine.
Molecular consequence: missense variant.
Genome position (GRCh38, 1-based): chrX:154,358,518, C>T on the plus strand (G>A on the coding strand, the complement: FLNA is on the minus strand). VCF-style: chrX-154358518-C-T. GRCh37 (hg19) VCF-style: chrX-153586886-C-T.
Other names: c.4525G>A (NM_001456.3); c.4525G>A, p.Val1509Ile (NM_001456.4); short protein forms V1509I.
Identifiers: ClinVar variation 1210296 (VCV001210296.12), dbSNP rs782018054, ClinGen allele CA415215657.

ClinVar aggregate classification (germline): Conflicting classifications of pathogenicity. Review status: criteria provided, conflicting classifications (1 of 4 stars). 6 submissions from 6 submitters: Uncertain significance (4); Likely benign (1). 1 of the submissions does not count toward it. Last evaluated 2026-07-01.

Conditions:
Melnick-Needles syndrome (MNS). Also called: Melnick-Needles Syndrome (FLNA-MNS); MELNICK-NEEDLES OSTEODYSPLASTY; OSTEODYSPLASTY OF MELNICK AND NEEDLES. Identifiers: Orphanet 2484, MedGen C0025237, MONDO:0010650, OMIM 309350.
Oto-palato-digital syndrome, type II (OPD2). Also called: Otopalatodigital Syndrome Type 2 (FLNA-OPD2); Otopalatodigital Syndrome, Type II; FACIOPALATOOSSEOUS SYNDROME; OPD II SYNDROME. Identifiers: Orphanet 669, Orphanet 90652, MedGen C1844696, MONDO:0010571, OMIM 304120.
Heterotopia, periventricular, X-linked dominant (PVNH1). Also called: PERIVENTRICULAR NODULAR HETEROTOPIA 4; HETEROTOPIA, PERIVENTRICULAR, 1; PERIVENTRICULAR NODULAR HETEROTOPIA 1; X-linked periventricular heterotopia. Identifiers: Orphanet 2149, Orphanet 82004, MedGen C1848213, MONDO:0010233, OMIM 300049.
Frontometaphyseal dysplasia (FMD1). Identifiers: Orphanet 1826, MedGen C0265293, MONDO:0015942.
Familial thoracic aortic aneurysm and aortic dissection (TAAD). Also called: Thoracic aortic aneurysms and dissections. Identifiers: Orphanet 91387, MedGen C4707243, MONDO:0019625.
Cardiac valvular dysplasia, X-linked (CVDPX). Also called: Congenital valvular dysplasia; Isolated X-Linked Cardiac Valvular Dysplasia; FLNA-Related X-linked Cardiac Valvular Dysplasia; MYXOMATOUS VALVULAR DYSTROPHY, X-LINKED; VALVULAR HEART DISEASE, CONGENITAL. Identifiers: Orphanet 1864, Orphanet 555877, Orphanet 75497, MedGen C0262436, MONDO:0010753, OMIM 314400.

gnomAD v4.1: 12 of 1,209,483 alleles (0.00099%); highest among the groups gnomAD compares: East Asian, 0.003%; no homozygotes.

Submissions (6):

CeGaT Center for Human Genetics Tuebingen
Classification: Likely benign. Last evaluated: 2026-07-01. Review status: criteria provided, single submitter. Criteria: CeGaT Center For Human Genetics Tuebingen Variant Classification Criteria Version 2. Collection method: clinical testing. Allele origin: germline. Affected: yes. Observed: 1 variant allele.
Comment: FLNA: BS2

Labcorp Genetics (formerly Invitae), Labcorp
Classification: Uncertain significance for Oto-palato-digital syndrome, type II; Heterotopia, periventricular, X-linked dominant; Frontometaphyseal dysplasia; Melnick-Needles syndrome. Last evaluated: 2024-12-02. Review status: criteria provided, single submitter. Criteria: Invitae Variant Classification Sherloc (09022015). Collection method: clinical testing. Allele origin: germline.
Comment: This sequence change replaces valine, which is neutral and non-polar, with isoleucine, which is neutral and non-polar, at codon 1509 of the FLNA protein (p.Val1509Ile). This variant is not present in population databases (gnomAD no frequency). This variant has not been reported in the literature in individuals affected with FLNA-related conditions. ClinVar contains an entry for this variant (Variation ID: 1210296). Invitae Evidence Modeling of protein sequence and biophysical properties (such as structural, functional, and spatial information, amino acid conservation, physicochemical variation, residue mobility, and thermodynamic stability) indicates that this missense variant is not expected to disrupt FLNA protein function with a negative predictive value of 95%. In summary, the available evidence is currently insufficient to determine the role of this variant in disease. Therefore, it has been classified as a Variant of Uncertain Significance.

Blueprint Genetics
Classification: Uncertain significance. Last evaluated: 2024-10-03. Review status: criteria provided, single submitter. Criteria: ACMG Guidelines, 2015. Collection method: clinical testing. Allele origin: germline.

Ambry Genetics
Classification: Uncertain significance for Familial thoracic aortic aneurysm and aortic dissection. Last evaluated: 2023-07-22. Review status: criteria provided, single submitter. Criteria: Ambry Variant Classification Scheme 2023. Collection method: clinical testing. Allele origin: germline.
Comment: The p.V1509I variant (also known as c.4525G>A), located in coding exon 26 of the FLNA gene, results from a G to A substitution at nucleotide position 4525. The valine at codon 1509 is replaced by isoleucine, an amino acid with highly similar properties. This amino acid position is well conserved in available vertebrate species. In addition, the in silico prediction for this alteration is inconclusive. Since supporting evidence is limited at this time, the clinical significance of this alteration remains unclear.

Centre of Medical Genetics, University Hospital Muenster
Classification: Uncertain significance. Last evaluated: 2022-07-18. Review status: criteria provided, single submitter. Criteria: ACMG Guidelines, 2015. Collection method: clinical testing. Allele origin: unknown. Affected: yes. Observed: 1 variant allele, 1 heterozygote.
Comment: ACMG categories: PM2,PP3

Institute of Human Genetics, University of Goettingen
Classification: Uncertain significance for Cardiac valvular dysplasia, X-linked. Last evaluated: 2021-08-27. Review status: no assertion criteria provided. Collection method: clinical testing. Allele origin: unknown. Inheritance: Sporadic. Affected: yes. Not counted in ClinVar's aggregate classification.